The following is an entry in ClinVar:

ClinVar aggregate classification (germline): Uncertain significance (1 of 4 stars; one submission).

Submission:

Labcorp Genetics (formerly Invitae), Labcorp
Classification: Uncertain significance. Last evaluated: 2022-04-22. Review status: criteria provided, single submitter. Criteria: Invitae Variant Classification Sherloc (09022015). Collection method: clinical testing. Allele origin: germline.
Comment: In summary, the available evidence is currently insufficient to determine the role of this variant in disease. Therefore, it has been classified as a Variant of Uncertain Significance. Algorithms developed to predict the effect of missense changes on protein structure and function output the following: SIFT: "Tolerated"; PolyPhen-2: "Benign"; Align-GVGD: "Class C0". The aspartic acid amino acid residue is found in multiple mammalian species, which suggests that this missense change does not adversely affect protein function. This variant has not been reported in the literature in individuals affected with CYP4V2-related conditions. This variant is present in population databases (no rsID available, gnomAD 0.01%). This sequence change replaces glycine, which is neutral and non-polar, with aspartic acid, which is acidic and polar, at codon 288 of the CYP4V2 protein (p.Gly288Asp).

NM_207352.4(CYP4V2):c.863G>A (p.Gly288Asp)

Gene: CYP4V2 (cytochrome P450 family 4 subfamily V member 2; plus strand). Cytogenetic location: 4q35.2.
Variant type: single nucleotide variant.
Coding change: c.863G>A on transcript NM_207352.4 (MANE Select); coding-DNA position 863, G replaced by A.
Protein change: p.Gly288Asp; replaces glycine 288 with aspartic acid.
Molecular consequence: missense variant.
Genome position (GRCh38, 1-based): chr4:186,201,218, G>A. VCF-style: chr4-186201218-G-A. GRCh37 (hg19) VCF-style: chr4-187122372-G-A.
Other names: short protein forms G288D.
Identifiers: ClinVar variation 2123916 (VCV002123916.4), dbSNP rs748586296, ClinGen allele CA358948302.